The following is an entry in ClinVar:

NM_004168.4(SDHA):c.1671C>G (p.Val557=)

Gene: SDHA (succinate dehydrogenase complex flavoprotein subunit A; plus strand). Cytogenetic location: 5p15.33.
Variant type: single nucleotide variant.
Coding change: c.1671C>G on transcript NM_004168.4 (MANE Select); coding-DNA position 1671, C replaced by G.
Protein change: p.Val557=; no amino-acid change (valine 557 retained).
Molecular consequence: synonymous variant. On other transcripts: intron variant (1).
Genome position (GRCh38, 1-based): chr5:251,345, C>G. VCF-style: chr5-251345-C-G. GRCh37 (hg19) VCF-style: chr5-251460-C-G.
Other names: c.1671C>G (NM_004168.2); c.1527C>G, p.Val509= (NM_001294332.2); c.1552-3048C>G (NM_001330758.2).
Identifiers: ClinVar variation 2949453 (VCV002949453.5), dbSNP rs767963713, ClinGen allele CA442657518.

ClinVar aggregate classification (germline): Benign/Likely benign. Review status: criteria provided, multiple submitters, no conflicts (2 of 4 stars). 3 submissions from 3 submitters: Benign (1); Likely benign (2). Last evaluated 2025-03-11.

Conditions:
Mitochondrial complex II deficiency, nuclear type 1. Also called: SUCCINATE CoQ REDUCTASE DEFICIENCY. Identifiers: Orphanet 3208, MedGen C5700310, MONDO:0100294, OMIM 252011.
Pheochromocytoma/paraganglioma syndrome 5. Also called: Paragangliomas 5; SDHA-Related Hereditary Paraganglioma-Pheochromocytoma Syndrome. Identifiers: Orphanet 29072, MedGen C3279992, MONDO:0013602, OMIM 614165.
Hereditary cancer-predisposing syndrome. Also called: Neoplastic Syndromes, Hereditary; Tumor predisposition; Hereditary Cancer Syndrome; Hereditary neoplastic syndrome. Identifiers: Orphanet 140162, MedGen C0027672, MeSH D009386, MONDO:0015356.

Allele frequency attached by ClinVar (database versions not stated): TOPMed below 0.00001.

Submissions (3):

Myriad Genetics, Inc.
Classification: Benign for Pheochromocytoma/paraganglioma syndrome 5. Last evaluated: 2025-03-11. Review status: criteria provided, single submitter. Criteria: Myriad Autosomal Dominant, Autosomal Recessive and X-Linked Classification Criteria (2023). Collection method: clinical testing. Allele origin: unknown.
Comment: This variant is considered benign. This variant is a silent/synonymous amino acid change and it is not expected to impact splicing.

Ambry Genetics
Classification: Likely benign for Hereditary cancer-predisposing syndrome. Last evaluated: 2024-11-24. Review status: criteria provided, single submitter. Criteria: Ambry Variant Classification Scheme 2023. Collection method: clinical testing. Allele origin: germline.

Labcorp Genetics (formerly Invitae), Labcorp
Classification: Likely benign for Pheochromocytoma/paraganglioma syndrome 5; Mitochondrial complex II deficiency, nuclear type 1. Last evaluated: 2024-01-04. Review status: criteria provided, single submitter. Criteria: Invitae Variant Classification Sherloc (09022015). Collection method: clinical testing. Allele origin: germline.